The following is an entry in ClinVar:

ClinVar aggregate classification (germline): Uncertain significance (1 of 4 stars; one submission).

Conditions:
Familial hypercholesterolemia. Also called: Familial hypercholesterolaemia. Identifiers: MedGen C0020445, MONDO:0005439.

Submission:

Genetics Laboratory, Great Ormond Street Hospital NHS Foundation Trust, North Thames Genomic Laboratory Hub
Classification: Uncertain significance for Familial hypercholesterolaemia. Last evaluated: 2026-01-12. Review status: criteria provided, single submitter. Criteria: ACGS Best Practice Guidelines for Variant Classification in Rare Disease 2024 v1.2. Collection method: clinical testing. Allele origin: germline. Affected: yes.
Comment: PM2_moderate, PM1_moderate

NM_000384.3(APOB):c.10058A>G (p.Asn3353Ser)

Gene: APOB (apolipoprotein B; minus strand). Cytogenetic location: 2p24.1.
Variant type: single nucleotide variant.
Coding change: c.10058A>G on transcript NM_000384.3 (MANE Select); coding-DNA position 10058, A replaced by G.
Protein change: p.Asn3353Ser; replaces asparagine 3353 with serine.
Molecular consequence: missense variant.
Genome position (GRCh38, 1-based): chr2:21,006,810, T>C on the plus strand (A>G on the coding strand, the complement: APOB is on the minus strand). VCF-style: chr2-21006810-T-C. GRCh37 (hg19) VCF-style: chr2-21229682-T-C.
Other names: short protein forms N3353S.
Identifiers: ClinVar variation 4813318 (VCV004813318.1).